The following is an entry in ClinVar:

NM_001370298.3(FGD4):c.*4211T>C

Gene: FGD4 (FYVE, RhoGEF and PH domain containing 4; plus strand). Cytogenetic location: 12p11.21.
Variant type: single nucleotide variant.
Coding change: c.*4211T>C on transcript NM_001370298.3 (MANE Select); 4211 bases downstream of the stop codon, T replaced by C.
Molecular consequence: 3 prime UTR variant.
Genome position (GRCh38, 1-based): chr12:32,644,744, T>C. VCF-style: chr12-32644744-T-C. GRCh37 (hg19) VCF-style: chr12-32797678-T-C.
Other names: c.*4211T>C (NM_001304481.2, NM_001304484.2, NM_001330373.2 and 5 more transcripts); c.*119T>C (NM_001384126.1, NM_001384127.1, NM_001384128.1).
Identifiers: ClinVar variation 308358 (VCV000308358.5), dbSNP rs75583772, ClinGen allele CA10632584.

ClinVar aggregate classification (germline): Benign (1 of 4 stars; one submission).

Conditions:
Charcot-Marie-Tooth disease type 4H (CMT4H). Also called: CHARCOT-MARIE-TOOTH DISEASE, AUTOSOMAL RECESSIVE, TYPE 4H; CHARCOT-MARIE-TOOTH DISEASE, DEMYELINATING, AUTOSOMAL RECESSIVE, TYPE 4H; CHARCOT-MARIE-TOOTH NEUROPATHY, TYPE 4H; CHARCOT-MARIE-TOOTH DISEASE, DEMYELINATING, TYPE 4H. Identifiers: Orphanet 99954, MedGen C1836336, MONDO:0012250, OMIM 609311.

Allele frequency attached by ClinVar (database versions not stated): gnomAD 0.02072 and 0.02209; TOPMed 0.02346; 1000 Genomes Project 0.02596; 1000 Genomes Project 30x 0.02748.

Submission:

Illumina Laboratory Services, Illumina
Classification: Benign for Charcot-Marie-Tooth disease type 4H. Last evaluated: 2018-01-13. Review status: criteria provided, single submitter. Criteria: ICSL Variant Classification Criteria 13 December 2019. Collection method: clinical testing. Allele origin: germline.
Comment: This variant was observed in the ICSL laboratory as part of a predisposition screen in an ostensibly healthy population. It had not been previously curated by ICSL or reported in the Human Gene Mutation Database (HGMD: prior to June 1st, 2018), and was therefore a candidate for classification through an automated scoring system. Utilizing variant allele frequency, disease prevalence and penetrance estimates, and inheritance mode, an automated score was calculated to assess if this variant is too frequent to cause the disease. Based on the score and internal cut-off values, a variant classified as benign is not then subjected to further curation. The score for this variant resulted in a classification of benign for this disease.